The following is an entry in ClinVar:

NM_001374353.1(GLI2):c.1483_1494del (p.Lys495_Ser498del)

Gene: GLI2 (GLI family zinc finger 2; plus strand). Cytogenetic location: 2q14.2.
Variant type: Deletion.
Coding change: c.1483_1494del on transcript NM_001374353.1 (MANE Select); coding-DNA positions 1483 to 1494, 12 bases deleted (AAGGCCTACTCC).
Protein change: p.Lys495_Ser498del.
Molecular consequence: inframe deletion.
Genome position (GRCh38, 1-based): chr2:120,982,731-120,982,742, AAGGCCTACTCC deleted. VCF-style (leftmost placement, unchanged base first): chr2-120982730-GAAGGCCTACTCC-G. GRCh37 (hg19) VCF-style: chr2-121740306-GAAGGCCTACTCC-G.
Other names: c.1534_1545del (NM_005270.4); c.1534_1545del, p.Lys512_Ser515del (NM_001371271.1, NM_005270.5); c.1108_1119del, p.Lys370_Ser373del (NM_001374354.1).
Identifiers: ClinVar variation 1004973 (VCV001004973.10), dbSNP rs1682772612, ClinGen allele CA1283792426.
Genomic context (GRCh38, chr2:120,982,730, plus strand): 5'-TTGGGCCCCCTGGGGTGCCTTGACTGACTGAACCGCCTCCTTCTAGTTCGAGGGCTGCTC[GAAGGCCTACTCC>G]CGCCTGGAGAACCTGAAGACACACCTGCGGTCCCACACCGGGGAGAAGCCATATGTGTGT-3'

ClinVar aggregate classification (germline): Uncertain significance. Review status: criteria provided, multiple submitters, no conflicts (2 of 4 stars). 2 submissions from 2 submitters: Uncertain significance (2). Last evaluated 2026-03-10.

Conditions:
Postaxial polydactyly-anterior pituitary anomalies-facial dysmorphism syndrome. Also called: Culler-Jones syndrome. Identifiers: Orphanet 420584, MedGen C4014479, MONDO:0014369, OMIM 615849.
Holoprosencephaly 9 (HPE9). Also called: HOLOPROSENCEPHALY WITH MICROPHTHALMIA AND FIRST BRANCHIAL ARCH ANOMALIES; PITUITARY ANOMALIES WITH HOLOPROSENCEPHALY-LIKE FEATURES. Identifiers: Orphanet 2162, MedGen C1835819, MONDO:0012563, OMIM 610829.

Submissions (2):

GeneDx
Classification: Uncertain significance. Last evaluated: 2026-03-10. Review status: criteria provided, single submitter. Criteria: GeneDx Variant Classification Process June 2021. Collection method: clinical testing. Allele origin: germline.
Comment: Not observed at significant frequency in large population cohorts (gnomAD); In-frame deletion of 4 amino acid(s) in a non-repeat region; In silico analysis supports a deleterious effect on protein structure/function; Has not been previously published as pathogenic or benign to our knowledge

Labcorp Genetics (formerly Invitae), Labcorp
Classification: Uncertain significance for Postaxial polydactyly-anterior pituitary anomalies-facial dysmorphism syndrome; Holoprosencephaly 9. Last evaluated: 2023-05-19. Review status: criteria provided, single submitter. Criteria: Invitae Variant Classification Sherloc (09022015). Collection method: clinical testing. Allele origin: germline.
Comment: In summary, the available evidence is currently insufficient to determine the role of this variant in disease. Therefore, it has been classified as a Variant of Uncertain Significance. Experimental studies and prediction algorithms are not available or were not evaluated, and the functional significance of this variant is currently unknown. ClinVar contains an entry for this variant (Variation ID: 1004973). This variant has not been reported in the literature in individuals affected with GLI2-related conditions. This variant is not present in population databases (gnomAD no frequency). This variant, c.1534_1545del, results in the deletion of 4 amino acid(s) of the GLI2 protein (p.Lys512_Ser515del), but otherwise preserves the integrity of the reading frame.